The following is an entry in ClinVar:

ClinVar aggregate classification (germline): Uncertain significance (1 of 4 stars; one submission).

Submission:

Ambry Genetics
Classification: Uncertain significance. Last evaluated: 2025-04-04. Review status: criteria provided, single submitter. Criteria: Ambry Variant Classification Scheme 2023. Collection method: clinical testing. Allele origin: germline.
Comment: The p.Q1207R variant (also known as c.3620A>G), located in coding exon 13 of the CDK12 gene, results from an A to G substitution at nucleotide position 3620. The glutamine at codon 1207 is replaced by arginine, an amino acid with highly similar properties. This amino acid position is conserved. In addition, the in silico prediction for this alteration is inconclusive. Based on the available evidence, the clinical significance of this variant remains unclear.

NM_016507.4(CDK12):c.3620A>G (p.Gln1207Arg)

Gene: CDK12 (cyclin dependent kinase 12; plus strand). Cytogenetic location: 17q12.
Variant type: single nucleotide variant.
Coding change: c.3620A>G on transcript NM_016507.4 (MANE Select); coding-DNA position 3620, A replaced by G.
Protein change: p.Gln1207Arg; replaces glutamine 1207 with arginine.
Molecular consequence: missense variant.
Genome position (GRCh38, 1-based): chr17:39,526,176, A>G. VCF-style: chr17-39526176-A-G. GRCh37 (hg19) VCF-style: chr17-37682429-A-G.
Other names: c.3620A>G, p.Gln1207Arg (NM_015083.4); short protein forms Q1207R.
Identifiers: ClinVar variation 3999313 (VCV003999313.1).
Genomic context (GRCh38, chr17:39,526,176, plus strand): 5'-TGATCCTGCCTTCAGCAGAACAGACGACCCTTGAAGCTTCAAGCACACCAGCTGACATGC[A>G]GAATATATTGGCAGTTCTCTTGAGTCAGCTGATGAAAACCCAAGAGCCAGCAGGCAGTCT-3'
Protein context (NP_057591.2, residues 1197-1217): LEASSTPADM[Gln1207Arg]NILAVLLSQL